The following is an entry in ClinVar:

ClinVar aggregate classification (germline): Uncertain significance (1 of 4 stars; one submission).

Submission:

GeneDx
Classification: Uncertain significance. Last evaluated: 2021-11-08. Review status: criteria provided, single submitter. Criteria: GeneDx Variant Classification Process June 2021. Collection method: clinical testing. Allele origin: germline. Affected: yes.
Comment: Not observed in large population cohorts (Lek et al., 2016); In silico analysis supports that this missense variant has a deleterious effect on protein structure/function; Has not been previously published as pathogenic or benign to our knowledge

NM_001110556.2(FLNA):c.6179G>C (p.Gly2060Ala)

Gene: FLNA (filamin A; minus strand). Cytogenetic location: Xq28.
Variant type: single nucleotide variant.
Coding change: c.6179G>C on transcript NM_001110556.2 (MANE Select); coding-DNA position 6179, G replaced by C.
Protein change: p.Gly2060Ala; replaces glycine 2060 with alanine.
Molecular consequence: missense variant.
Genome position (GRCh38, 1-based): chrX:154,353,048, C>G on the plus strand (G>C on the coding strand, the complement: FLNA is on the minus strand). VCF-style: chrX-154353048-C-G. GRCh37 (hg19) VCF-style: chrX-153581416-C-G.
Other names: c.6155G>C, p.Gly2052Ala (NM_001456.4); short protein forms G2052A, G2060A.
Identifiers: ClinVar variation 1326573 (VCV001326573.2), dbSNP rs2148104947, ClinGen allele CA415195462.